The following is an entry in ClinVar:

NM_000169.3(GLA):c.1102G>A (p.Ala368Thr)

Genes: GLA (galactosidase alpha; minus strand), RPL36A-HNRNPH2 (RPL36A-HNRNPH2 readthrough; plus strand). Cytogenetic location: Xq22.1.
Variant type: single nucleotide variant.
Coding change: c.1102G>A on transcript NM_000169.3 (MANE Select); coding-DNA position 1102, G replaced by A.
Protein change: p.Ala368Thr; replaces alanine 368 with threonine.
Molecular consequence: missense variant. On other transcripts: non-coding transcript variant (3), intron variant (2).
Genome position (GRCh38, 1-based): chrX:101,397,997, C>T on the plus strand (G>A on the coding strand, the complement: GLA is on the minus strand). VCF-style: chrX-101397997-C-T. GRCh37 (hg19) VCF-style: chrX-100652985-C-T.
Other names: c.1102G>A (NM_000169.2); c.1225G>A, p.Ala409Thr (NM_001406747.1); c.300+2540C>T (NM_001199973.2); c.177+6175C>T (NM_001199974.2); short protein forms A368T, A409T.
Identifiers: ClinVar variation 42451 (VCV000042451.34), dbSNP rs144994244, ClinGen allele CA021399.
Genomic context (GRCh38, chrX:101,397,997, plus strand): 5'-GGAGCTGTGTGATGAAGCAGGCAGGATTACAGGCCACTCCTTTACCCAGGGAAGCAACTG[C>T]GATGGTATAAGAGCGAGGTCCACCAATCTCCTGCCGGTTTATCATAGCTACAGCCCAGGC-3'
Protein context (NP_000160.1, residues 358-378): EIGGPRSYTI[Ala368Thr]VASLGKGVAC

ClinVar aggregate classification (germline): Conflicting classifications of pathogenicity. Review status: criteria provided, conflicting classifications (1 of 4 stars). 11 submissions from 11 submitters: Uncertain significance (3); Likely benign (8). Last evaluated 2026-09-08.

Conditions:
GLA-related disorder. Also called: GLA-related condition.
Cardiovascular phenotype. Identifiers: MedGen CN230736.
Fabry disease. Also called: Angiokeratoma corporis diffusum; Fabry's disease; Ceramide trihexosidosis; ALPHA-GALACTOSIDASE A DEFICIENCY; ANDERSON-FABRY DISEASE; CERAMIDE TRIHEXOSIDASE DEFICIENCY. Identifiers: Orphanet 324, MedGen C0002986, MONDO:0010526, OMIM 301500, HP:0001071. Disease mechanism: Fabry disease is due to inactivating mutations in the X-linked GLA gene resulting in deficiency of the enzyme Alpha Galactosidase-A., loss of function.

Allele frequency attached by ClinVar (database versions not stated): ESP Exome Variant Server 0.00019; TOPMed 0.00041; 1000 Genomes Project 0.00053; 1000 Genomes Project 30x 0.00083.
gnomAD v4.1: 59 of 1,208,524 alleles (0.0049%); highest among the groups gnomAD compares: African/African-American, 0.1%; no homozygotes.

Submissions (11):

Genomenon, Inc
Classification: Likely benign for Fabry disease. Last evaluated: 2026-09-08. Review status: criteria provided, single submitter. Criteria: Genomenon Sequence Variant Interpretation Standards - Updated. Collection method: curation. Allele origin: germline. Affected: yes.
Comment: GLA p.Ala368Thr (c.1102G>A) is a missense variant that changes the amino acid at codon 368 from Alanine to Threonine. This variant has been observed in at least one proband with clinical features consistent with Fabry disease (PMID:22551898;29305833). Functional or patient cell studies have been reported (PMID:32023956;31036492;32418857;27657681;31996269;23935525). In silico models predict that this variant is not damaging. This variant's allele frequency in gnomAD is greater than expected for this disorder. In conclusion, we classify GLA p.Ala368Thr (c.1102G>A) as a likely benign variant.

PreventionGenetics, part of Exact Sciences
Classification: Likely benign for GLA-related condition. Last evaluated: 2026-02-26. Review status: criteria provided, single submitter. Criteria: ACMG Guidelines, 2015. Collection method: clinical testing. Allele origin: germline.
Comment: This variant is classified as likely benign based on ACMG/AMP sequence variant interpretation guidelines (Richards et al. 2015 PMID: 25741868, with internal and published modifications).

Labcorp Genetics (formerly Invitae), Labcorp
Classification: Likely benign for Fabry disease. Last evaluated: 2026-01-23. Review status: criteria provided, single submitter. Criteria: Invitae Variant Classification Sherloc (09022015). Collection method: clinical testing. Allele origin: germline.

Color Diagnostics, LLC DBA Color Health
Classification: Likely benign for Fabry disease. Last evaluated: 2024-05-22. Review status: criteria provided, single submitter. Criteria: ACMG Guidelines, 2015. Collection method: clinical testing. Allele origin: germline.

Women's Health and Genetics/Laboratory Corporation of America, LabCorp
Classification: Uncertain significance. Last evaluated: 2024-01-29. Review status: criteria provided, single submitter. Criteria: LabCorp Variant Classification Summary - May 2015. Collection method: clinical testing. Allele origin: germline.
Comment: Variant summary: GLA c.1102G>A (p.Ala368Thr) results in a non-conservative amino acid change located in the Alpha galactosidase A, C-terminal beta-sandwich domain (IPR035373) of the encoded protein sequence. Three of five in-silico tools predict a benign effect of the variant on protein function. The variant allele was found at a frequency of 4.9e-05 in 1208524 control chromosomes, including 15 hemizygotes (gnomAD). This frequency is not significantly higher than estimated for a pathogenic variant in GLA causing Fabry Disease (4.9e-05 vs 0.005), allowing no conclusion about variant significance. c.1102G>A has been reported in the literature in male and female individuals suspected or affected with Fabry Disease (e.g. Turaca_2012, Lukas_2013, Pereira_2014, Silva_2016, Stiles_2020, Varela_2020) and an individual affected with dilated cardiomyopathy (Pugh_2014). These reports do not provide unequivocal conclusions about association of the variant with Fabry Disease. Multiple publications report experimental evidence evaluating an impact on protein function. The most pronounced variant effect results in >50%-90% of normal enzyme activity (e.g. Lukas_2013, Benjamin_2017, Oommen_2019). The following publications have been ascertained in the context of this evaluation (PMID: 27657681, 29330335, 37441486, 23935525, 30985853, 31036492, 24334114, 24503780, 27576502, 32418857, 22551898, 31996269). ClinVar contains an entry for this variant (Variation ID: 42451). Based on the evidence outlined above, the variant was classified as uncertain significance.

Ambry Genetics
Classification: Likely benign for Cardiovascular phenotype. Last evaluated: 2023-11-16. Review status: criteria provided, single submitter. Criteria: Ambry Variant Classification Scheme 2023. Collection method: clinical testing. Allele origin: germline.

Genome-Nilou Lab
Classification: Likely benign for Fabry disease. Last evaluated: 2021-07-15. Review status: criteria provided, single submitter. Criteria: ACMG Guidelines, 2015. Collection method: clinical testing. Allele origin: germline. Affected: no.

Broad Center for Mendelian Genomics, Broad Institute of MIT and Harvard
Classification: Likely benign for Fabry disease. Last evaluated: 2020-01-22. Review status: criteria provided, single submitter. Criteria: ACMG Guidelines, 2015. Collection method: curation. Allele origin: germline. Inheritance: X-linked inheritance.
Comment: This variant has also been reported in ClinVar as a VUS by Invitae and the Laboratory for Molecular Medicine (Partners Healthcare) and likely benign by GeneDx (Variation ID:42451). In vitro functional studies provide some evidence that the p.Ala368Thr variant may not impact protein function (PMID: 23935525, 24334114, 27576502). However, these types of assays may not accurately represent biological function. Computational prediction tools, including splice predictors, and conservation analyses suggest that this variant may not impact the protein, though this information is not predictive enough to rule out pathogenicity. One affected individual with this variant has an alternative molecular basis for Fabry disease, suggesting this variant may not cause the disease (PMID: 24503780). In summary, although additional studies are required to fully establish its clinical significance, this variant is likely benign. ACMG/AMP Criteria applied: BS1, BP4, BS3_supporting, BP5 (Richards 2015).

X-linked inheritance (primarily recessive with milder female expression)

Mayo Clinic Laboratories, Mayo Clinic
Classification: Uncertain significance. Last evaluated: 2019-07-08. Review status: criteria provided, single submitter. Criteria: ACMG Guidelines, 2015. Collection method: clinical testing. Allele origin: germline. Observed: 1 variant allele.

GeneDx
Classification: Likely benign. Last evaluated: 2015-04-08. Review status: criteria provided, single submitter. Criteria: GeneDx Variant Classification (06012015). Collection method: clinical testing. Allele origin: germline. Affected: yes.
Comment: This variant is considered likely benign or benign based on one or more of the following criteria: it is a conservative change, it occurs at a poorly conserved position in the protein, it is predicted to be benign by multiple in silico algorithms, and/or has population frequency not consistent with disease.

Laboratory for Molecular Medicine, Mass General Brigham Personalized Medicine
Classification: Uncertain significance. Last evaluated: 2012-07-06. Review status: criteria provided, single submitter. Criteria: LMM Criteria. Collection method: clinical testing. Allele origin: germline. Observed: 1 variant allele.
Comment: Variant classified as Uncertain Significance - Favor Benign. The Ala368Thr varia nt in GLA has been identified in 2/3835 African American chromosomes from a broa d population by the NHLBI Exome Sequencing Project (/EVS). Alanine (Ala) at position 368 is not conserved in mammals with other spec ies carrying various other amino acid residues and 1 species (atlantic salmon) c arries a threonine (Thr; this variant), suggesting that this change may be toler ated. In addition, computational analyses (biochemical amino acid properties, Al ignGVGD, PolyPhen2, and SIFT) suggest that this variant may not impact the prote in, though this information is not predictive enough to rule out pathogenicity. In summary, the frequency of this variant and lack of amino acid conservation su ggests that it may be more likely benign, but additional information is needed t o fully assess its clinical significance.

Literature cited by the submitters: PubMed 22551898 (cited by 3 submitters); PubMed 29305833 (cited by Genomenon, Inc and Ambry Genetics); PubMed 32023956 (cited by Genomenon, Inc and Ambry Genetics); PubMed 31036492 (cited by 3 submitters); PubMed 32418857 (cited by 3 submitters); PubMed 27657681 (cited by 3 submitters); PubMed 31996269 (cited by 3 submitters); PubMed 23935525 (cited by 4 submitters); PubMed 24503780 (cited by Women's Health and Genetics/Laboratory Corporation of America, LabCorp and Ambry Genetics); PubMed 24334114 (cited by 3 submitters); PubMed 29330335 (cited by Women's Health and Genetics/Laboratory Corporation of America, LabCorp); PubMed 30985853 (cited by Women's Health and Genetics/Laboratory Corporation of America, LabCorp and Ambry Genetics); PubMed 27576502 (cited by 3 submitters); PubMed 37441486 (cited by Women's Health and Genetics/Laboratory Corporation of America, LabCorp); PubMed 32995357 (cited by Ambry Genetics).